The following is an entry in ClinVar:

ClinVar aggregate classification (germline): Conflicting classifications of pathogenicity. Review status: criteria provided, conflicting classifications (1 of 4 stars). 10 submissions from 10 submitters: Pathogenic (1); Uncertain significance (8). 1 of the submissions does not count toward it. Last evaluated 2026-02-23.

Conditions:
CLN8-related disorder. Also called: CLN8-related condition.
Inborn genetic diseases. Identifiers: MedGen C0950123, MeSH D030342.
Neuronal ceroid lipofuscinosis 8 northern epilepsy variant. Also called: NORTHERN EPILEPSY; EPILEPSY, PROGRESSIVE, WITH MENTAL RETARDATION. Identifiers: Orphanet 1947, MedGen C1864923, MONDO:0012391, OMIM 610003.
Neuronal ceroid lipofuscinosis 8 (CLN8). Also called: CLN8-Related Neuronal Ceroid-Lipofuscinosis. Identifiers: Orphanet 168491, Orphanet 228354, Orphanet 79264, MedGen C1838570, MONDO:0010830, OMIM 600143.
Neuronal ceroid lipofuscinosis. Also called: Neuronal Ceroid Lipofuscinoses. Identifiers: Orphanet 216, Orphanet 79263, MedGen C0027877, MONDO:0016295. Disease mechanism: loss of function.
Neuronal ceroid lipofuscinosis 1 (CLN1). Also called: PPT1-Related Neuronal Ceroid-Lipofuscinosis; CEROID LIPOFUSCINOSIS, NEURONAL, 1, VARIABLE AGE AT ONSET. Identifiers: Orphanet 228329, MedGen C1850451, MONDO:0009744, OMIM 256730.

Allele frequency attached by ClinVar (database versions not stated): TOPMed 0.00012; gnomAD 0.00013; ExAC 0.00003; gnomAD exomes 0.00003; ESP Exome Variant Server 0.00008.
gnomAD v4.1: 93 of 1,613,312 alleles (0.0058%); highest among the groups gnomAD compares: Admixed American, 0.088%; 1 homozygote.

Submissions (10):

Ambry Genetics
Classification: Uncertain significance for Inborn genetic diseases. Last evaluated: 2026-02-23. Review status: criteria provided, single submitter. Criteria: Ambry Variant Classification Scheme 2023. Collection method: clinical testing. Allele origin: germline.
Comment: The c.200C>T (p.A67V) alteration is located in exon 2 (coding exon 1) of the CLN8 gene. This alteration results from a C to T substitution at nucleotide position 200, causing the alanine (A) at amino acid position 67 to be replaced by a valine (V). Based on data from gnomAD, the T allele has an overall frequency of 0.004% (12/282742) total alleles studied. The highest observed frequency was 0.042% (3/7218) of Other alleles. Based on insufficient or conflicting evidence, the clinical significance of this alteration remains unclear.

Labcorp Genetics (formerly Invitae), Labcorp
Classification: Pathogenic for Neuronal ceroid lipofuscinosis. Last evaluated: 2026-01-28. Review status: criteria provided, single submitter. Criteria: Invitae Variant Classification Sherloc (09022015). Collection method: clinical testing. Allele origin: germline.
Comment: This sequence change replaces alanine, which is neutral and non-polar, with valine, which is neutral and non-polar, at codon 67 of the CLN8 protein (p.Ala67Val). This variant is present in population databases (rs373957283, gnomAD 0.01%). This missense change has been observed in individual(s) with neuronal ceroid lipofuscinosis (PMID: 29503925). In at least one individual the data is consistent with being in trans (on the opposite chromosome) from a pathogenic variant. It has also been observed to segregate with disease in related individuals. ClinVar contains an entry for this variant (Variation ID: 195345). Invitae Evidence Modeling of protein sequence and biophysical properties (such as structural, functional, and spatial information, amino acid conservation, physicochemical variation, residue mobility, and thermodynamic stability) has been performed for this missense variant. However, the output from this modeling did not meet the statistical confidence thresholds required to predict the impact of this variant on CLN8 protein function. For these reasons, this variant has been classified as Pathogenic.

PreventionGenetics, part of Exact Sciences
Classification: Uncertain significance for CLN8-related condition. Last evaluated: 2025-11-13. Review status: criteria provided, single submitter. Criteria: ACMG Guidelines, 2015. Collection method: clinical testing. Allele origin: germline.
Comment: The CLN8 c.200C>T variant is predicted to result in the amino acid substitution p.Ala67Val. This variant has been reported in the compound heterozygous state in two siblings with ceroid lipofuscinosis (Sanchez et al. 2016. PubMed ID: 29503925). This variant is reported in 0.012% of alleles in individuals of African descent in gnomAD. At this time, the clinical significance of this variant is uncertain due to the absence of conclusive functional and genetic evidence.

GeneDx
Classification: Uncertain significance. Last evaluated: 2025-08-13. Review status: criteria provided, single submitter. Criteria: GeneDx Variant Classification Process June 2021. Collection method: clinical testing. Allele origin: germline. Affected: yes.
Comment: Reported in a sibling pair with seizures and vision loss who were compound heterozygous for A67V and a pathogenic CLN8 copy number variant; however, no additional information was provided to unequivocally demonstrate that the A67V variant is pathogenic and functional studies were not performed (PMID: 29503925); In silico analysis suggests that this missense variant does not alter protein structure/function; Not observed at significant frequency in large population cohorts (gnomAD); This variant is associated with the following publications: (PMID: 29503925, 34532411)

Women's Health and Genetics/Laboratory Corporation of America, LabCorp
Classification: Uncertain significance. Last evaluated: 2024-09-09. Review status: criteria provided, single submitter. Criteria: LabCorp Variant Classification Summary - May 2015. Collection method: clinical testing. Allele origin: germline.
Comment: Variant summary: CLN8 c.200C>T (p.Ala67Val) results in a non-conservative amino acid change located in the TRAM/LAG1/CLN8 homology domain (IPR006634) of the encoded protein sequence. Five of five in-silico tools predict a damaging effect of the variant on protein function. The variant allele was found at a frequency of 3.2e-05 in 251354 control chromosomes. c.200C>T has been reported in the literature in compound heterozygous individuals affected with Neuronal Ceroid-Lipofuscinosis (Batten Disease) (e.g. Sanchez_2018). These data indicate that the variant may be associated with disease. To our knowledge, no experimental evidence demonstrating an impact on protein function has been reported. ClinVar contains an entry for this variant (Variation ID: 195345). Based on the evidence outlined above, the variant was classified as VUS-possibly pathogenic.

Blueprint Genetics
Classification: Uncertain significance. Last evaluated: 2023-06-23. Review status: criteria provided, single submitter. Criteria: ACMG Guidelines, 2015. Collection method: clinical testing. Allele origin: germline.

Mendelics
Classification: Uncertain significance for Neuronal ceroid lipofuscinosis 1. Last evaluated: 2023-04-21. Review status: criteria provided, single submitter. Criteria: Mendelics Assertion Criteria 2017. Collection method: clinical testing. Allele origin: unknown.

New York Genome Center
Classification: Uncertain significance for Neuronal ceroid lipofuscinosis 8; Neuronal ceroid lipofuscinosis 8 northern epilepsy variant. Last evaluated: 2021-07-07. Review status: criteria provided, single submitter. Criteria: NYGC Assertion Criteria 2020. Collection method: clinical testing. Allele origin: inherited. Observed: 1 heterozygote. Study: CSER-NYCKidSeq.

Eurofins Ntd Llc (ga)
Classification: Uncertain significance. Last evaluated: 2014-10-28. Review status: criteria provided, single submitter. Criteria: EGL Classification Definitions 2015. Collection method: clinical testing. Allele origin: germline. Observed: 3 variant alleles, 1 heterozygote, 2 homozygotes.

Natera, Inc.
Classification: Uncertain significance for Neuronal ceroid lipofuscinosis 8. Last evaluated: 2020-09-16. Review status: no assertion criteria provided. Collection method: clinical testing. Allele origin: germline. Not counted in ClinVar's aggregate classification.

Literature cited by the submitters: PubMed 29503925 (cited by 3 submitters); PubMed 34532411 (cited by Ambry Genetics).

NM_018941.4(CLN8):c.200C>T (p.Ala67Val)

Gene: CLN8 (CLN8 transmembrane ER and ERGIC protein; plus strand). Cytogenetic location: 8p23.3.
Variant type: single nucleotide variant.
Coding change: c.200C>T on transcript NM_018941.4 (MANE Select); coding-DNA position 200, C replaced by T.
Protein change: p.Ala67Val; replaces alanine 67 with valine.
Molecular consequence: missense variant.
Genome position (GRCh38, 1-based): chr8:1,771,254, C>T. VCF-style: chr8-1771254-C-T. GRCh37 (hg19) VCF-style: chr8-1719420-C-T.
Other names: p.A67V:GCG>GTG; short protein forms A67V.
Identifiers: ClinVar variation 195345 (VCV000195345.31), dbSNP rs373957283, ClinGen allele CA241753.
Genomic context (GRCh38, chr8:1,771,254, plus strand): 5'-CTTCCCTGAATGCCACTTACCGTTCTTTGGTGGCCAGAGAGAAGGTCTTCTGGGACCTGG[C>T]GGCCACGCGTGCAGTCTTTGGTGTTCAGAGCACAGCCGCAGGCCTGTGGGCTCTGCTGGG-3'
Protein context (NP_061764.2, residues 57-77): VAREKVFWDL[Ala67Val]ATRAVFGVQS